The following is an entry in ClinVar:

ClinVar aggregate classification (germline): Pathogenic (1 of 4 stars; one submission).

Submission:

Labcorp Genetics (formerly Invitae), Labcorp
Classification: Pathogenic. Last evaluated: 2022-07-29. Review status: criteria provided, single submitter. Criteria: Invitae Variant Classification Sherloc (09022015). Collection method: clinical testing. Allele origin: germline.
Comment: For these reasons, this variant has been classified as Pathogenic. This variant has not been reported in the literature in individuals affected with EYS-related conditions. This variant is not present in population databases (gnomAD no frequency). This sequence change creates a premature translational stop signal (p.Tyr1917*) in the EYS gene. It is expected to result in an absent or disrupted protein product. Loss-of-function variants in EYS are known to be pathogenic (PMID: 18836446, 20333770).

Literature cited by the submitters: PubMed 18836446; PubMed 20333770.

NM_001142800.2(EYS):c.5751T>A (p.Tyr1917Ter)

Gene: EYS (EGF-like photoreceptor maintenance factor; minus strand). Cytogenetic location: 6q12.
Variant type: single nucleotide variant.
Coding change: c.5751T>A on transcript NM_001142800.2 (MANE Select); coding-DNA position 5751, T replaced by A.
Protein change: p.Tyr1917Ter; replaces tyrosine 1917 with a stop codon.
Molecular consequence: nonsense.
Genome position (GRCh38, 1-based): chr6:64,439,246, A>T on the plus strand (T>A on the coding strand, the complement: EYS is on the minus strand). VCF-style: chr6-64439246-A-T. GRCh37 (hg19) VCF-style: chr6-65149139-A-T.
Other names: c.5751T>A, p.Tyr1917Ter (NM_001292009.2); short protein forms Y1917*.
Identifiers: ClinVar variation 2020239 (VCV002020239.4), dbSNP rs1206206296, ClinGen allele CA364392685.
Genomic context (GRCh38, chr6:64,439,246, plus strand): 5'-CAATTGAATAAAAAATCCATCTACTAAATTTGAGTCTTGCTTGACATACAGCAGAAGTCC[A>T]TAGGAGCTGAAGGTCTGAAATTCTAGGGAGATGTTATTTTGTGGATTTAAAGCCACATTC-3'